The following is an entry in ClinVar:

NM_002439.5(MSH3):c.2194G>A (p.Glu732Lys)

Gene: MSH3 (mutS homolog 3; plus strand). Cytogenetic location: 5q14.1.
Variant type: single nucleotide variant.
Coding change: c.2194G>A on transcript NM_002439.5 (MANE Select); coding-DNA position 2194, G replaced by A.
Protein change: p.Glu732Lys; replaces glutamic acid 732 with lysine.
Molecular consequence: missense variant.
Genome position (GRCh38, 1-based): chr5:80,768,944, G>A. VCF-style: chr5-80768944-G-A. GRCh37 (hg19) VCF-style: chr5-80064763-G-A.
Other names: short protein forms E732K.
Identifiers: ClinVar variation 948988 (VCV000948988.12), dbSNP rs369843843, ClinGen allele CA3328160.

ClinVar aggregate classification (germline): Uncertain significance. Review status: criteria provided, multiple submitters, no conflicts (2 of 4 stars). 3 submissions from 3 submitters: Uncertain significance (3). Last evaluated 2025-11-19.

Conditions:
Endometrial carcinoma. Also called: Endometrial carcinoma, somatic. Identifiers: MedGen C0476089, MONDO:0002447, OMIM 608089, HP:0012114.
Hereditary cancer-predisposing syndrome. Also called: Hereditary neoplastic syndrome; Neoplastic Syndromes, Hereditary; Tumor predisposition; Hereditary Cancer Syndrome. Identifiers: Orphanet 140162, MedGen C0027672, MeSH D009386, MONDO:0015356.

Allele frequency attached by ClinVar (database versions not stated): gnomAD exomes below 0.00001; ExAC 0.00001; TOPMed 0.00003; gnomAD 0.00004; ESP Exome Variant Server 0.00015.
gnomAD v4.1: 7 of 1,612,860 alleles (0.00043%); highest among the groups gnomAD compares: African/African-American, 0.008%; no homozygotes.

Submissions (3):

Ambry Genetics
Classification: Uncertain significance for Hereditary cancer-predisposing syndrome. Last evaluated: 2025-11-19. Review status: criteria provided, single submitter. Criteria: Ambry Variant Classification Scheme 2023. Collection method: clinical testing. Allele origin: germline.
Comment: The p.E732K variant (also known as c.2194G>A), located in coding exon 15 of the MSH3 gene, results from a G to A substitution at nucleotide position 2194. The glutamic acid at codon 732 is replaced by lysine, an amino acid with similar properties. This amino acid position is not well conserved in available vertebrate species. In addition, the in silico prediction for this alteration is inconclusive. Based on the available evidence, the clinical significance of this variant remains unclear.

Labcorp Genetics (formerly Invitae), Labcorp
Classification: Uncertain significance. Last evaluated: 2025-10-14. Review status: criteria provided, single submitter. Criteria: Invitae Variant Classification Sherloc (09022015). Collection method: clinical testing. Allele origin: germline.
Comment: This sequence change replaces glutamic acid, which is acidic and polar, with lysine, which is basic and polar, at codon 732 of the MSH3 protein (p.Glu732Lys). This variant is present in population databases (rs369843843, gnomAD 0.01%). This variant has not been reported in the literature in individuals affected with MSH3-related conditions. ClinVar contains an entry for this variant (Variation ID: 948988). An algorithm developed to predict the effect of missense changes on protein structure and function (PolyPhen-2) suggests that this variant is likely to be tolerated. In summary, the available evidence is currently insufficient to determine the role of this variant in disease. Therefore, it has been classified as a Variant of Uncertain Significance.

Baylor Genetics
Classification: Uncertain significance for Endometrial carcinoma. Last evaluated: 2023-08-16. Review status: criteria provided, single submitter. Criteria: ACMG Guidelines, 2015. Collection method: clinical testing. Allele origin: unknown.